The following is an entry in ClinVar:

NM_021067.5(GINS1):c.457C>A (p.Leu153Ile)

Gene: GINS1 (GINS complex subunit 1; plus strand). Cytogenetic location: 20p11.21.
Variant type: single nucleotide variant.
Coding change: c.457C>A on transcript NM_021067.5 (MANE Select); coding-DNA position 457, C replaced by A.
Protein change: p.Leu153Ile; replaces leucine 153 with isoleucine.
Molecular consequence: missense variant. On other transcripts: non-coding transcript variant (1).
Genome position (GRCh38, 1-based): chr20:25,441,711, C>A. VCF-style: chr20-25441711-C-A. GRCh37 (hg19) VCF-style: chr20-25422347-C-A.
Other names: short protein forms L153I.
Identifiers: ClinVar variation 1429628 (VCV001429628.6), dbSNP rs750783029, ClinGen allele CA9796564.

ClinVar aggregate classification (germline): Uncertain significance (1 of 4 stars; one submission).

Allele frequency attached by ClinVar (database versions not stated): gnomAD 0.00004.
gnomAD v4.1: 7 of 1,551,122 alleles (0.00045%); highest among the groups gnomAD compares: African/African-American, 0.0096%; no homozygotes.

Submission:

Labcorp Genetics (formerly Invitae), Labcorp
Classification: Uncertain significance. Last evaluated: 2025-11-04. Review status: criteria provided, single submitter. Criteria: Invitae Variant Classification Sherloc (09022015). Collection method: clinical testing. Allele origin: germline.
Comment: This sequence change replaces leucine, which is neutral and non-polar, with isoleucine, which is neutral and non-polar, at codon 153 of the GINS1 protein (p.Leu153Ile). This variant is present in population databases (rs750783029, gnomAD 0.01%). This variant has not been reported in the literature in individuals affected with GINS1-related conditions. ClinVar contains an entry for this variant (Variation ID: 1429628). An algorithm developed to predict the effect of missense changes on protein structure and function (PolyPhen-2) suggests that this variant is likely to be tolerated. In summary, the available evidence is currently insufficient to determine the role of this variant in disease. Therefore, it has been classified as a Variant of Uncertain Significance.